The following is an entry in ClinVar:

NM_000059.4(BRCA2):c.493T>C (p.Phe165Leu)

Gene: BRCA2 (BRCA2 DNA repair associated; plus strand). Cytogenetic location: 13q13.1.
Variant type: single nucleotide variant.
Coding change: c.493T>C on transcript NM_000059.4 (MANE Select); coding-DNA position 493, T replaced by C.
Protein change: p.Phe165Leu; replaces phenylalanine 165 with leucine.
Molecular consequence: missense variant.
Genome position (GRCh38, 1-based): chr13:32,326,259, T>C. VCF-style: chr13-32326259-T-C. GRCh37 (hg19) VCF-style: chr13-32900396-T-C.
Other names: short protein forms F165L.
Identifiers: ClinVar variation 184419 (VCV000184419.15), dbSNP rs786201450, ClinGen allele CA021041.

ClinVar aggregate classification (germline): Uncertain significance. Review status: criteria provided, multiple submitters, no conflicts (2 of 4 stars). 4 submissions from 4 submitters: Uncertain significance (4). Last evaluated 2024-09-06.

Conditions:
Hereditary cancer-predisposing syndrome. Also called: Hereditary neoplastic syndrome; Neoplastic Syndromes, Hereditary; Tumor predisposition; Hereditary Cancer Syndrome. Identifiers: Orphanet 140162, MedGen C0027672, MeSH D009386, MONDO:0015356.
Hereditary breast ovarian cancer syndrome. Also called: Hereditary breast and ovarian cancer syndrome (HBOC); Breast and ovarian cancer; Hereditary breast and/or ovarian cancer syndrome; BRCA1- and BRCA2-Associated Hereditary Breast and Ovarian Cancer; Hereditary breast and ovarian cancer syndrome; Hereditary breast and ovarian cancer. Identifiers: Orphanet 145, MedGen C0677776, MeSH D061325, MONDO:0003582. Disease mechanism: loss of function.

Submissions (4):

Labcorp Genetics (formerly Invitae), Labcorp
Classification: Uncertain significance for Hereditary breast ovarian cancer syndrome. Last evaluated: 2024-09-06. Review status: criteria provided, single submitter. Criteria: Invitae Variant Classification Sherloc (09022015). Collection method: clinical testing. Allele origin: germline.
Comment: This sequence change replaces phenylalanine, which is neutral and non-polar, with leucine, which is neutral and non-polar, at codon 165 of the BRCA2 protein (p.Phe165Leu). This variant is not present in population databases (gnomAD no frequency). This variant has not been reported in the literature in individuals affected with BRCA2-related conditions. ClinVar contains an entry for this variant (Variation ID: 184419). Invitae Evidence Modeling of protein sequence and biophysical properties (such as structural, functional, and spatial information, amino acid conservation, physicochemical variation, residue mobility, and thermodynamic stability) indicates that this missense variant is not expected to disrupt BRCA2 protein function with a negative predictive value of 95%. In summary, the available evidence is currently insufficient to determine the role of this variant in disease. Therefore, it has been classified as a Variant of Uncertain Significance.

Ambry Genetics
Classification: Uncertain significance for Hereditary cancer-predisposing syndrome. Last evaluated: 2023-04-12. Review status: criteria provided, single submitter. Criteria: Ambry Variant Classification Scheme 2023. Collection method: clinical testing. Allele origin: germline.
Comment: The p.F165L variant (also known as c.493T>C), located in coding exon 5 of the BRCA2 gene, results from a T to C substitution at nucleotide position 493. The phenylalanine at codon 165 is replaced by leucine, an amino acid with highly similar properties. This amino acid position is highly conserved in available vertebrate species. In addition, this alteration is predicted to be tolerated by in silico analysis. Since supporting evidence is limited at this time, the clinical significance of this alteration remains unclear.

Color Diagnostics, LLC DBA Color Health
Classification: Uncertain significance for Hereditary cancer-predisposing syndrome. Last evaluated: 2022-11-16. Review status: criteria provided, single submitter. Criteria: ACMG Guidelines, 2015. Collection method: clinical testing. Allele origin: germline.
Comment: This missense variant replaces phenylalanine with leucine at codon 165 of the BRCA2 protein. Computational prediction suggests that this variant may not impact protein structure and function (internally defined REVEL score threshold <= 0.5, PMID: 27666373). To our knowledge, functional studies have not been reported for this variant. This variant has not been reported in individuals affected with BRCA2-related disorders in the literature. This variant has not been identified in the general population by the Genome Aggregation Database (gnomAD). The available evidence is insufficient to determine the role of this variant in disease conclusively. Therefore, this variant is classified as a Variant of Uncertain Significance.

GeneDx
Classification: Uncertain significance. Last evaluated: 2022-08-12. Review status: criteria provided, single submitter. Criteria: GeneDx Variant Classification Process June 2021. Collection method: clinical testing. Allele origin: germline. Affected: yes.
Comment: Not observed at significant frequency in large population cohorts (gnomAD); In silico analysis supports that this missense variant does not alter protein structure/function; Has not been previously published as pathogenic or benign to our knowledge; Also known as 721T>C